The following is an entry in ClinVar:

NM_001040142.2(SCN2A):c.3802dup (p.Val1268fs)

Gene: SCN2A (sodium voltage-gated channel alpha subunit 2; plus strand). Cytogenetic location: 2q24.3.
Variant type: Duplication.
Coding change: c.3802dup on transcript NM_001040142.2 (MANE Select); coding-DNA position 3802, one base duplicated (G; older notation c.3802dupG).
Protein change: p.Val1268fs; shifts the reading frame from valine 1268.
Molecular consequence: frameshift variant.
Genome position (GRCh38, 1-based): chr2:165,370,252, G duplicated. VCF-style (leftmost placement, unchanged base first): chr2-165370251-A-AG. GRCh37 (hg19) VCF-style: chr2-166226761-A-AG.
Other names: c.3802dup, p.Val1268fs (NM_001040143.2, NM_001371246.1, NM_001371247.1 and 1 more transcripts); short protein forms V1268fs.
Identifiers: ClinVar variation 1381138 (VCV001381138.6), dbSNP rs2105365318, ClinGen allele CA2573133453.

ClinVar aggregate classification (germline): Pathogenic (1 of 4 stars; one submission).

Conditions:
Seizures, benign familial infantile, 3 (BFIS3). Also called: CONVULSIONS, BENIGN FAMILIAL INFANTILE, 3; Familial neonatal seizures. Identifiers: Orphanet 140927, Orphanet 306, MedGen C1843140, MONDO:0011904, OMIM 607745.
Developmental and epileptic encephalopathy, 11 (DEE11). Also called: Early infantile epileptic encephalopathy 11. Identifiers: Orphanet 1934, MedGen C3150987, MONDO:0013388, OMIM 613721.

Submission:

Labcorp Genetics (formerly Invitae), Labcorp
Classification: Pathogenic for Seizures, benign familial infantile, 3; Developmental and epileptic encephalopathy, 11. Last evaluated: 2022-02-10. Review status: criteria provided, single submitter. Criteria: Invitae Variant Classification Sherloc (09022015). Collection method: clinical testing. Allele origin: germline.
Comment: This sequence change creates a premature translational stop signal (p.Val1268Glyfs*16) in the SCN2A gene. It is expected to result in an absent or disrupted protein product. Loss-of-function variants in SCN2A are known to be pathogenic (PMID: 28379373). This variant is not present in population databases (gnomAD no frequency). This variant has not been reported in the literature in individuals affected with SCN2A-related conditions. Algorithms developed to predict the effect of sequence changes on RNA splicing suggest that this variant may create or strengthen a splice site. For these reasons, this variant has been classified as Pathogenic.

Literature cited by the submitters: PubMed 28379373.